The following is an entry in ClinVar:

NC_000005.10:g.112707455A>G

Gene: APC (APC regulator of Wnt signaling pathway; plus strand). Cytogenetic location: 5q22.2.
Variant type: single nucleotide variant.
Genome position: GRCh38 VCF-style: chr5-112707455-A-G. GRCh37 (hg19) VCF-style: chr5-112043152-A-G.
Identifiers: ClinVar variation 1008204 (VCV001008204.8), dbSNP rs956500063, ClinGen allele CA124924696.

ClinVar aggregate classification (germline): Uncertain significance (1 of 4 stars; one submission).

Conditions:
Familial adenomatous polyposis 1 (FAP1). Also called: FAMILIAL ADENOMATOUS POLYPOSIS 1, ATTENUATED; POLYPOSIS, ADENOMATOUS INTESTINAL. Identifiers: MedGen C2713442, MONDO:0021056, OMIM 175100. Disease mechanism: loss of function.

Allele frequency attached by ClinVar (database versions not stated): gnomAD 0.00003; TOPMed 0.00004.

Submission:

Labcorp Genetics (formerly Invitae), Labcorp
Classification: Uncertain significance for Familial adenomatous polyposis 1. Last evaluated: 2024-11-22. Review status: criteria provided, single submitter. Criteria: Invitae Variant Classification Sherloc (09022015). Collection method: clinical testing. Allele origin: germline.
Comment: This variant occurs in a non-coding region of the APC gene. It does not change the encoded amino acid sequence of the APC protein. This variant is not present in population databases (gnomAD no frequency). This variant has not been reported in the literature in individuals affected with APC-related conditions. Experimental studies and prediction algorithms are not available or were not evaluated, and the functional significance of this variant is currently unknown. In summary, the available evidence is currently insufficient to determine the role of this variant in disease. Therefore, it has been classified as a Variant of Uncertain Significance.